The following is an entry in ClinVar:

NM_006059.4(LAMC3):c.1824-2A>G

Genes: LAMC3 (laminin subunit gamma 3; plus strand), LOC126860777 (BRD4-independent group 4 enhancer GRCh37_chr9:133927058-133928257; plus strand). Cytogenetic location: 9q34.12.
Variant type: single nucleotide variant.
Coding change: c.1824-2A>G on transcript NM_006059.4 (MANE Select); the canonical splice acceptor site of the intron before coding-DNA position 1824, A replaced by G.
Molecular consequence: splice acceptor variant.
Genome position (GRCh38, 1-based): chr9:131,052,848, A>G. VCF-style: chr9-131052848-A-G. GRCh37 (hg19) VCF-style: chr9-133928235-A-G.
Identifiers: ClinVar variation 2061185 (VCV002061185.4), dbSNP rs927587368, ClinGen allele CA200704466.

ClinVar aggregate classification (germline): Likely pathogenic (1 of 4 stars; one submission).

Allele frequency attached by ClinVar (database versions not stated): gnomAD 0.00002; gnomAD exomes 0.00003.
gnomAD v4.1: 41 of 1,514,364 alleles (0.0027%); highest among the groups gnomAD compares: Non-Finnish European, 0.0036%; no homozygotes.

Submission:

Labcorp Genetics (formerly Invitae), Labcorp
Classification: Likely pathogenic. Last evaluated: 2024-03-27. Review status: criteria provided, single submitter. Criteria: Invitae Variant Classification Sherloc (09022015). Collection method: clinical testing. Allele origin: germline.
Comment: This sequence change affects an acceptor splice site in intron 10 of the LAMC3 gene. It is expected to disrupt RNA splicing. Variants that disrupt the donor or acceptor splice site typically lead to a loss of protein function (PMID: 16199547), and loss-of-function variants in LAMC3 are known to be pathogenic (PMID: 21572413, 26802095). This variant is present in population databases (no rsID available, gnomAD 0.007%). This variant has not been reported in the literature in individuals affected with LAMC3-related conditions. ClinVar contains an entry for this variant (Variation ID: 2061185). Algorithms developed to predict the effect of sequence changes on RNA splicing suggest that this variant may disrupt the consensus splice site. In summary, the currently available evidence indicates that the variant is pathogenic, but additional data are needed to prove that conclusively. Therefore, this variant has been classified as Likely Pathogenic.

Literature cited by the submitters: PubMed 16199547; PubMed 21572413; PubMed 26802095.